The following is an entry in ClinVar:

ClinVar aggregate classification (germline): Uncertain significance. Review status: criteria provided, multiple submitters, no conflicts (2 of 4 stars). 2 submissions from 2 submitters: Uncertain significance (2). Last evaluated 2021-11-27.

Allele frequency attached by ClinVar (database versions not stated): gnomAD 0.00001; ExAC 0.00003; gnomAD exomes 0.00004.
gnomAD v4.1: 22 of 1,613,696 alleles (0.0014%); highest among the groups gnomAD compares: South Asian, 0.024%; no homozygotes.

Submissions (2):

Labcorp Genetics (formerly Invitae), Labcorp
Classification: Uncertain significance. Last evaluated: 2021-11-27. Review status: criteria provided, single submitter. Criteria: Invitae Variant Classification Sherloc (09022015). Collection method: clinical testing. Allele origin: germline.
Comment: This sequence change replaces asparagine, which is neutral and polar, with lysine, which is basic and polar, at codon 31 of the PDE6B protein (p.Asn31Lys). This variant is present in population databases (rs770449748, gnomAD 0.03%). This variant has not been reported in the literature in individuals affected with PDE6B-related conditions. Algorithms developed to predict the effect of missense changes on protein structure and function (SIFT, PolyPhen-2, Align-GVGD) all suggest that this variant is likely to be tolerated. In summary, the available evidence is currently insufficient to determine the role of this variant in disease. Therefore, it has been classified as a Variant of Uncertain Significance.

Blueprint Genetics
Classification: Uncertain significance. Last evaluated: 2019-09-24. Review status: criteria provided, single submitter. Criteria: ACMG Guidelines, 2015. Collection method: clinical testing. Allele origin: germline.

NM_000283.4(PDE6B):c.93T>A (p.Asn31Lys)

Gene: PDE6B (phosphodiesterase 6B; plus strand). Cytogenetic location: 4p16.3.
Variant type: single nucleotide variant.
Coding change: c.93T>A on transcript NM_000283.4 (MANE Select); coding-DNA position 93, T replaced by A.
Protein change: p.Asn31Lys; replaces asparagine 31 with lysine.
Molecular consequence: missense variant.
Genome position (GRCh38, 1-based): chr4:625,719, T>A. VCF-style: chr4-625719-T-A. GRCh37 (hg19) VCF-style: chr4-619508-T-A.
Other names: c.93T>A, p.Asn31Lys (NM_001145291.2); short protein forms N31K.
Identifiers: ClinVar variation 1386331 (VCV001386331.7), dbSNP rs770449748, ClinGen allele CA2793839.